The following is an entry in ClinVar:

NM_004204.5(PIGQ):c.470C>G (p.Ala157Gly)

Gene: PIGQ (phosphatidylinositol glycan anchor biosynthesis class Q; plus strand). Cytogenetic location: 16p13.3.
Variant type: single nucleotide variant.
Coding change: c.470C>G on transcript NM_004204.5 (MANE Select); coding-DNA position 470, C replaced by G.
Protein change: p.Ala157Gly; replaces alanine 157 with glycine.
Molecular consequence: missense variant.
Genome position (GRCh38, 1-based): chr16:574,544, C>G. VCF-style: chr16-574544-C-G. GRCh37 (hg19) VCF-style: chr16-624544-C-G.
Other names: c.470C>G, p.Ala157Gly (NM_148920.4); short protein forms A157G.
Identifiers: ClinVar variation 2227691 (VCV002227691.2), dbSNP rs2505931585, ClinGen allele CA394048567.

ClinVar aggregate classification (germline): Uncertain significance (1 of 4 stars; one submission).

Conditions:
Inborn genetic diseases. Identifiers: MedGen C0950123, MeSH D030342.

Allele frequency attached by ClinVar (database versions not stated): gnomAD exomes below 0.00001.
gnomAD v4.1: 2 of 1,605,472 alleles (0.00012%); highest among the groups gnomAD compares: Non-Finnish European, 0.00017%; no homozygotes.

Submission:

Ambry Genetics
Classification: Uncertain significance for Inborn genetic diseases. Last evaluated: 2020-10-22. Review status: criteria provided, single submitter. Criteria: Ambry Variant Classification Scheme 2023. Collection method: clinical testing. Allele origin: germline.
Comment: The c.470C>G (p.A157G) alteration is located in exon 2 (coding exon 1) of the PIGQ gene. This alteration results from a C to G substitution at nucleotide position 470, causing the alanine (A) at amino acid position 157 to be replaced by a glycine (G). Based on data from the Genome Aggregation Database (gnomAD), the PIGQ c.470C>G alteration was not observed, with coverage at this position. This amino acid position is not well conserved in available vertebrate species. The p.A157G alteration is predicted to be tolerated by in silico analysis. Based on insufficient or conflicting evidence, the clinical significance of this alteration remains unclear.